The following is an entry in ClinVar:

ClinVar aggregate classification (germline): Likely benign. Review status: criteria provided, multiple submitters, no conflicts (2 of 4 stars). 2 submissions from 2 submitters: Likely benign (2). Last evaluated 2023-12-21.

Conditions:
Hereditary cancer-predisposing syndrome. Also called: Tumor predisposition; Hereditary neoplastic syndrome; Neoplastic Syndromes, Hereditary; Hereditary Cancer Syndrome. Identifiers: Orphanet 140162, MedGen C0027672, MeSH D009386, MONDO:0015356.

gnomAD v4.1: 10 of 1,614,170 alleles (0.00062%); highest among the groups gnomAD compares: Non-Finnish European, 0.00085%; no homozygotes.

Submissions (2):

Ambry Genetics
Classification: Likely benign for Hereditary cancer-predisposing syndrome. Last evaluated: 2023-12-21. Review status: criteria provided, single submitter. Criteria: Ambry Variant Classification Scheme 2023. Collection method: clinical testing. Allele origin: germline.

GeneDx
Classification: Likely benign. Last evaluated: 2015-11-12. Review status: criteria provided, single submitter. Criteria: GeneDx Variant Classification (06012015). Collection method: clinical testing. Allele origin: germline. Affected: yes.
Comment: This variant is considered likely benign or benign based on one or more of the following criteria: it is a conservative change, it occurs at a poorly conserved position in the protein, it is predicted to be benign by multiple in silico algorithms, and/or has population frequency not consistent with disease.

NM_005431.2(XRCC2):c.711C>T (p.His237=)

Gene: XRCC2 (X-ray repair cross complementing 2; minus strand). Cytogenetic location: 7q36.1.
Variant type: single nucleotide variant.
Coding change: c.711C>T on transcript NM_005431.2 (MANE Select); coding-DNA position 711, C replaced by T.
Protein change: p.His237=; no amino-acid change (histidine 237 retained).
Molecular consequence: synonymous variant.
Genome position (GRCh38, 1-based): chr7:152,648,774, G>A on the plus strand (C>T on the coding strand, the complement: XRCC2 is on the minus strand). VCF-style: chr7-152648774-G-A. GRCh37 (hg19) VCF-style: chr7-152345859-G-A.
Identifiers: ClinVar variation 378866 (VCV000378866.2), dbSNP rs753368267, ClinGen allele CA16605297.